The following is an entry in ClinVar:

NM_021927.3(GUF1):c.1A>C (p.Met1Leu)

Genes: GUF1 (GTP binding elongation factor GUF1; plus strand), LOC129992541 (ATAC-STARR-seq lymphoblastoid silent region 15397; plus strand). Cytogenetic location: 4p12.
Variant type: single nucleotide variant.
Coding change: c.1A>C on transcript NM_021927.3 (MANE Select); coding-DNA position 1, A replaced by C.
Protein change: p.Met1Leu; changes the start codon (methionine 1).
Molecular consequence: missense variant, initiator codon variant. On other transcripts: 5 prime UTR variant (2).
Genome position (GRCh38, 1-based): chr4:44,678,623, A>C. VCF-style: chr4-44678623-A-C. GRCh37 (hg19) VCF-style: chr4-44680640-A-C.
Other names: c.-968A>C (NM_001345867.2); c.1A>C, p.Met1Leu (NM_001345868.2); c.-860A>C (NM_001345869.2); short protein forms M1L.
Identifiers: ClinVar variation 3710847 (VCV003710847.2).

ClinVar aggregate classification (germline): Uncertain significance (1 of 4 stars; one submission).

Submission:

Labcorp Genetics (formerly Invitae), Labcorp
Classification: Uncertain significance. Last evaluated: 2024-08-31. Review status: criteria provided, single submitter. Criteria: Invitae Variant Classification Sherloc (09022015). Collection method: clinical testing. Allele origin: germline.
Comment: This sequence change affects the initiator methionine of the GUF1 mRNA. The next in-frame methionine is located at codon 60. This variant is not present in population databases (gnomAD no frequency). This variant has not been reported in the literature in individuals affected with GUF1-related conditions. In summary, the available evidence is currently insufficient to determine the role of this variant in disease. Therefore, it has been classified as a Variant of Uncertain Significance.